The following is an entry in ClinVar:

NM_007186.6(CEP250):c.4438C>A (p.Gln1480Lys)

Gene: CEP250 (centrosomal protein 250; plus strand). Cytogenetic location: 20q11.22.
Variant type: single nucleotide variant.
Coding change: c.4438C>A on transcript NM_007186.6 (MANE Select); coding-DNA position 4438, C replaced by A.
Protein change: p.Gln1480Lys; replaces glutamine 1480 with lysine.
Molecular consequence: missense variant.
Genome position (GRCh38, 1-based): chr20:35,502,807, C>A. VCF-style: chr20-35502807-C-A. GRCh37 (hg19) VCF-style: chr20-34090635-C-A.
Other names: c.2542C>A, p.Gln848Lys (NM_001318219.1); short protein forms Q1480K, Q848K.
Identifiers: ClinVar variation 1448661 (VCV001448661.8), dbSNP rs200729972, ClinGen allele CA9833717.

ClinVar aggregate classification (germline): Uncertain significance (1 of 4 stars; one submission).

Allele frequency attached by ClinVar (database versions not stated): gnomAD exomes below 0.00001; ExAC 0.00001; TOPMed 0.00002; gnomAD 0.00003; 1000 Genomes Project 30x 0.00016; 1000 Genomes Project 0.00020.
gnomAD v4.1: 5 of 1,614,200 alleles (0.00031%); highest among the groups gnomAD compares: African/African-American, 0.0067%; no homozygotes.

Submission:

Labcorp Genetics (formerly Invitae), Labcorp
Classification: Uncertain significance. Last evaluated: 2022-08-23. Review status: criteria provided, single submitter. Criteria: Invitae Variant Classification Sherloc (09022015). Collection method: clinical testing. Allele origin: germline.
Comment: In summary, the available evidence is currently insufficient to determine the role of this variant in disease. Therefore, it has been classified as a Variant of Uncertain Significance. Algorithms developed to predict the effect of missense changes on protein structure and function are either unavailable or do not agree on the potential impact of this missense change (SIFT: "Not Available"; PolyPhen-2: "Benign"; Align-GVGD: "Not Available"). ClinVar contains an entry for this variant (Variation ID: 1448661). This variant has not been reported in the literature in individuals affected with CEP250-related conditions. This variant is present in population databases (rs200729972, gnomAD 0.01%). This sequence change replaces glutamine, which is neutral and polar, with lysine, which is basic and polar, at codon 1480 of the CEP250 protein (p.Gln1480Lys).